The following is an entry in ClinVar:

NM_006397.3(RNASEH2A):c.346del (p.Leu116fs)

Gene: RNASEH2A (ribonuclease H2 subunit A; plus strand). Cytogenetic location: 19p13.13.
Variant type: Deletion.
Coding change: c.346del on transcript NM_006397.3 (MANE Select); coding-DNA position 346, one base deleted (C; older notation c.346delC).
Protein change: p.Leu116fs; shifts the reading frame from leucine 116.
Molecular consequence: frameshift variant.
Genome position (GRCh38, 1-based): chr19:12,807,441, C deleted; the last of 3 consecutive C bases (chr19:12,807,439-12,807,441); deleting any one gives the same sequence. VCF-style (leftmost placement, unchanged base first): chr19-12807438-TC-T. GRCh37 (hg19) VCF-style: chr19-12918252-TC-T.
Other names: short protein forms L116fs.
Identifiers: ClinVar variation 2977654 (VCV002977654.3), dbSNP rs1276969689, ClinGen allele CA783392472.

ClinVar aggregate classification (germline): Pathogenic (1 of 4 stars; one submission).

Conditions:
Aicardi-Goutieres syndrome 4. Identifiers: Orphanet 51, MedGen C1835912, MONDO:0012472, OMIM 610333.

Submission:

Labcorp Genetics (formerly Invitae), Labcorp
Classification: Pathogenic for Aicardi-Goutieres syndrome 4. Last evaluated: 2023-04-10. Review status: criteria provided, single submitter. Criteria: Invitae Variant Classification Sherloc (09022015). Collection method: clinical testing. Allele origin: germline.
Comment: This variant has not been reported in the literature in individuals affected with RNASEH2A-related conditions. For these reasons, this variant has been classified as Pathogenic. This variant is not present in population databases (gnomAD no frequency). This sequence change creates a premature translational stop signal (p.Leu116Cysfs*18) in the RNASEH2A gene. It is expected to result in an absent or disrupted protein product. Loss-of-function variants in RNASEH2A are known to be pathogenic (PMID: 21454563, 25274781).

Literature cited by the submitters: PubMed 21454563; PubMed 25274781.